The following is an entry in ClinVar:

NM_000921.5(PDE3A):c.1338G>C (p.Ser446=)

Gene: PDE3A (phosphodiesterase 3A; plus strand). Cytogenetic location: 12p12.2.
Variant type: single nucleotide variant.
Coding change: c.1338G>C on transcript NM_000921.5 (MANE Select); coding-DNA position 1338, G replaced by C.
Protein change: p.Ser446=; no amino-acid change (serine 446 retained).
Molecular consequence: synonymous variant.
Genome position (GRCh38, 1-based): chr12:20,616,298, G>C. VCF-style: chr12-20616298-G-C. GRCh37 (hg19) VCF-style: chr12-20769232-G-C.
Other names: c.372G>C, p.Ser124= (NM_001244683.2, NM_001378409.1); c.1338G>C, p.Ser446= (NM_001378407.1); c.375G>C, p.Ser125= (NM_001378408.1).
Identifiers: ClinVar variation 3040930 (VCV003040930.2), dbSNP rs371501182, ClinGen allele CA478855233.
Genomic context (GRCh38, chr12:20,616,298, plus strand): 5'-AAGGAGTTTGCCTCCTGGCTTGTTGAGACGAGTTTCTTCCACTTGGACCACCACCACCTC[G>C]GCCACAGGTCTACCCACCTTGGAGCCTGCACCAGTACGGAGAGACCGCAGCACCAGCATC-3'
Protein context (NP_000912.3, residues 436-456): RVSSTWTTTT[Ser446=]ATGLPTLEPA

ClinVar aggregate classification (germline): Likely benign (0 of 4 stars; one submission).

Conditions:
PDE3A-related disorder. Also called: PDE3A-related condition.

Allele frequency attached by ClinVar (database versions not stated): TOPMed below 0.00001.

Submission:

PreventionGenetics, part of Exact Sciences
Classification: Likely benign for PDE3A-related condition. Last evaluated: 2019-09-19. Review status: no assertion criteria provided. Collection method: clinical testing. Allele origin: germline.
Comment: This variant is classified as likely benign based on ACMG/AMP sequence variant interpretation guidelines (Richards et al. 2015 PMID: 25741868, with internal and published modifications).